The following is an entry in ClinVar:

ClinVar aggregate classification (germline): Pathogenic (1 of 4 stars; one submission).

Submission:

GeneDx
Classification: Pathogenic. Last evaluated: 2022-09-01. Review status: criteria provided, single submitter. Criteria: GeneDx Variant Classification Process June 2021. Collection method: clinical testing. Allele origin: germline. Affected: yes.
Comment: Frameshift variant predicted to result in protein truncation or nonsense mediated decay in a gene for which loss of function is a known mechanism of disease; Not observed at significant frequency in large population cohorts (gnomAD); Has not been previously published as pathogenic or benign to our knowledge

NM_000138.5(FBN1):c.1331dup (p.Leu445fs)

Gene: FBN1 (fibrillin 1; minus strand). Cytogenetic location: 15q21.1.
Variant type: Duplication.
Coding change: c.1331dup on transcript NM_000138.5 (MANE Select); coding-DNA position 1331, one base duplicated (T; older notation c.1331dupT).
Protein change: p.Leu445fs; shifts the reading frame from leucine 445.
Molecular consequence: frameshift variant.
Genome position (GRCh38, 1-based): chr15:48,515,524, A duplicated on the plus strand (T on the coding strand, the reverse complement: FBN1 is on the minus strand). VCF-style (leftmost placement, unchanged base first): chr15-48515523-C-CA. GRCh37 (hg19) VCF-style: chr15-48807720-C-CA.
Other names: c.1331dup, p.Leu445Alafs (NM_001406716.1); short protein forms L445fs.
Identifiers: ClinVar variation 2442778 (VCV002442778.1), dbSNP rs2505617847, ClinGen allele CA2580089704.